The following is an entry in ClinVar:

ClinVar aggregate classification (germline): Likely benign (0 of 4 stars; one submission).

Conditions:
SHANK1-related disorder. Also called: SHANK1-related condition.

Allele frequency attached by ClinVar (database versions not stated): 1000 Genomes Project 0.00060; 1000 Genomes Project 30x 0.00094.
gnomAD v4.1: 1,044 of 1,456,242 alleles (0.072%); highest among the groups gnomAD compares: Non-Finnish European, 0.088%; no homozygotes.

Submission:

PreventionGenetics, part of Exact Sciences
Classification: Likely benign for SHANK1-related condition. Last evaluated: 2019-02-26. Review status: no assertion criteria provided. Collection method: clinical testing. Allele origin: germline.
Comment: This variant is classified as likely benign based on ACMG/AMP sequence variant interpretation guidelines (Richards et al. 2015 PMID: 25741868, with internal and published modifications).

NM_016148.5(SHANK1):c.1338C>A (p.Pro446=)

Gene: SHANK1 (SH3 and multiple ankyrin repeat domains 1; minus strand). Cytogenetic location: 19q13.33.
Variant type: single nucleotide variant.
Coding change: c.1338C>A on transcript NM_016148.5 (MANE Select); coding-DNA position 1338, C replaced by A.
Protein change: p.Pro446=; no amino-acid change (proline 446 retained).
Molecular consequence: synonymous variant.
Genome position (GRCh38, 1-based): chr19:50,703,715, G>T on the plus strand (C>A on the coding strand, the complement: SHANK1 is on the minus strand). VCF-style: chr19-50703715-G-T. GRCh37 (hg19) VCF-style: chr19-51206972-G-T.
Identifiers: ClinVar variation 3050002 (VCV003050002.2), dbSNP rs555577816, ClinGen allele CA9601890.